The following is an entry in ClinVar:

NM_000140.5(FECH):c.1253T>G (p.Phe418Cys)

Gene: FECH (ferrochelatase; minus strand). Cytogenetic location: 18q21.31.
Variant type: single nucleotide variant.
Coding change: c.1253T>G on transcript NM_000140.5 (MANE Select); coding-DNA position 1253, T replaced by G.
Protein change: p.Phe418Cys; replaces phenylalanine 418 with cysteine.
Molecular consequence: missense variant.
Genome position (GRCh38, 1-based): chr18:57,550,731, A>C on the plus strand (T>G on the coding strand, the complement: FECH is on the minus strand). VCF-style: chr18-57550731-A-C. GRCh37 (hg19) VCF-style: chr18-55217963-A-C.
Other names: c.1271T>G, p.Phe424Cys (NM_001012515.4); c.1154T>G, p.Phe385Cys (NM_001371094.1); c.1037T>G, p.Phe346Cys (NM_001371095.1); c.1193T>G, p.Phe398Cys (NM_001374778.1); short protein forms F385C, F398C, F346C, F418C, F424C.
Identifiers: ClinVar variation 1513416 (VCV001513416.6), dbSNP rs767086949, ClinGen allele CA402538852.
Genomic context (GRCh38, chr18:57,550,731, plus strand): 5'-GTTGGGCATTTGCCTAACGCCACGGGGTCCACCGGCGGGGGTCACAGCTGCTGGCTGGTG[A>C]AGAAGGATTTAGTCTCCCTGCAGACAGGATTGACACAGAGCGGACAGCTCAGGGTCAGCT-3'
Protein context (NP_000131.2, residues 408-423): NPVCRETKSF[Phe418Cys]TSQQL

ClinVar aggregate classification (germline): Uncertain significance (1 of 4 stars; one submission).

Submission:

Labcorp Genetics (formerly Invitae), Labcorp
Classification: Uncertain significance. Last evaluated: 2021-08-17. Review status: criteria provided, single submitter. Criteria: Invitae Variant Classification Sherloc (09022015). Collection method: clinical testing. Allele origin: germline.
Comment: Algorithms developed to predict the effect of missense changes on protein structure and function are either unavailable or do not agree on the potential impact of this missense change (SIFT: "Deleterious"; PolyPhen-2: "Probably Damaging"; Align-GVGD: "Class C0"). This variant has not been reported in the literature in individuals affected with FECH-related conditions. This variant is not present in population databases (ExAC no frequency). This sequence change replaces phenylalanine with cysteine at codon 418 of the FECH protein (p.Phe418Cys). The phenylalanine residue is moderately conserved and there is a large physicochemical difference between phenylalanine and cysteine. In summary, the available evidence is currently insufficient to determine the role of this variant in disease. Therefore, it has been classified as a Variant of Uncertain Significance.